The following is an entry in ClinVar:

NM_020549.5(CHAT):c.1148G>A (p.Arg383His)

Gene: CHAT (choline O-acetyltransferase; plus strand). Cytogenetic location: 10q11.23.
Variant type: single nucleotide variant.
Coding change: c.1148G>A on transcript NM_020549.5 (MANE Select); coding-DNA position 1148, G replaced by A.
Protein change: p.Arg383His; replaces arginine 383 with histidine.
Molecular consequence: missense variant.
Genome position (GRCh38, 1-based): chr10:49,646,541, G>A. VCF-style: chr10-49646541-G-A. GRCh37 (hg19) VCF-style: chr10-50854587-G-A.
Other names: c.794G>A, p.Arg265His (NM_001142929.2, NM_001142934.2, NM_020984.4 and 2 more transcripts); c.902G>A, p.Arg301His (NM_001142933.2); short protein forms R265H, R301H, R383H.
Identifiers: ClinVar variation 864215 (VCV000864215.8), dbSNP rs779919147, ClinGen allele CA5497399.

ClinVar aggregate classification (germline): Uncertain significance. Review status: criteria provided, multiple submitters, no conflicts (2 of 4 stars). 2 submissions from 2 submitters: Uncertain significance (2). Last evaluated 2024-10-16.

Conditions:
Familial infantile myasthenia (CMS6). Also called: MYASTHENIC SYNDROME, CONGENITAL, 6, PRESYNAPTIC; Congenital myasthenic syndrome type 6; MYASTHENIC SYNDROME, PRESYNAPTIC, CONGENITAL, ASSOCIATED WITH EPISODIC APNEA. Identifiers: Orphanet 590, MedGen C0393929, MONDO:0009689, OMIM 254210.
Inborn genetic diseases. Identifiers: MedGen C0950123, MeSH D030342.

Allele frequency attached by ClinVar (database versions not stated): ExAC 0.00002; gnomAD exomes 0.00002.
gnomAD v4.1: 23 of 1,614,096 alleles (0.0014%); highest among the groups gnomAD compares: East Asian, 0.0022%; no homozygotes.

Submissions (2):

Ambry Genetics
Classification: Uncertain significance for Inborn genetic diseases. Last evaluated: 2024-10-16. Review status: criteria provided, single submitter. Criteria: Ambry Variant Classification Scheme 2023. Collection method: clinical testing. Allele origin: germline.

Labcorp Genetics (formerly Invitae), Labcorp
Classification: Uncertain significance for Familial infantile myasthenia. Last evaluated: 2022-04-21. Review status: criteria provided, single submitter. Criteria: Invitae Variant Classification Sherloc (09022015). Collection method: clinical testing. Allele origin: germline.
Comment: This sequence change replaces arginine, which is basic and polar, with histidine, which is basic and polar, at codon 383 of the CHAT protein (p.Arg383His). This variant is present in population databases (rs779919147, gnomAD 0.006%). This variant has not been reported in the literature in individuals affected with CHAT-related conditions. ClinVar contains an entry for this variant (Variation ID: 864215). Advanced modeling of protein sequence and biophysical properties (such as structural, functional, and spatial information, amino acid conservation, physicochemical variation, residue mobility, and thermodynamic stability) performed at Invitae indicates that this missense variant is not expected to disrupt CHAT protein function. In summary, the available evidence is currently insufficient to determine the role of this variant in disease. Therefore, it has been classified as a Variant of Uncertain Significance.